The following is an entry in ClinVar:

NM_001288833.2(GGT1):c.656C>A (p.Thr219Lys)

Gene: GGT1 (gamma-glutamyltransferase 1; plus strand). Cytogenetic location: 22q11.23.
Variant type: single nucleotide variant.
Coding change: c.656C>A on transcript NM_001288833.2 (MANE Select); coding-DNA position 656, C replaced by A.
Protein change: p.Thr219Lys; replaces threonine 219 with lysine.
Molecular consequence: missense variant.
Genome position (GRCh38, 1-based): chr22:24,620,993, C>A. VCF-style: chr22-24620993-C-A. GRCh37 (hg19) VCF-style: chr22-25016960-C-A.
Other names: c.656C>A, p.Thr219Lys (NM_013421.3, NM_013430.3); short protein forms T219K.
Identifiers: ClinVar variation 4886233 (VCV004886233.2).

ClinVar aggregate classification (germline): Uncertain significance (1 of 4 stars; one submission).

Submission:

Dasa
Classification: Uncertain significance. Last evaluated: 2024-11-04. Review status: criteria provided, single submitter. Criteria: DASA Assertion Criteria. Collection method: clinical testing. Allele origin: germline.
Comment: NM_001288833.2(GGT1):c.656C>A (p.Thr219Lys) is a missense variant that results in the substitution of threonine with lysine. This variant is absent from population databases. Computational prediction algorithms are consistent with a benign effect. The currently available literature and clinical evidence are not sufficient to establish a definitive association between this variant and the reported condition. Therefore, this variant is classified as a variant of uncertain significance.